The following is an entry in ClinVar:

NM_005120.3(MED12):c.475C>T (p.Leu159Phe)

Gene: MED12 (mediator complex subunit 12; plus strand). Cytogenetic location: Xq13.1.
Variant type: single nucleotide variant.
Coding change: c.475C>T on transcript NM_005120.3 (MANE Select); coding-DNA position 475, C replaced by T.
Protein change: p.Leu159Phe; replaces leucine 159 with phenylalanine.
Molecular consequence: missense variant.
Genome position (GRCh38, 1-based): chrX:71,120,092, C>T. VCF-style: chrX-71120092-C-T. GRCh37 (hg19) VCF-style: chrX-70339942-C-T.
Other names: short protein forms L159F.
Identifiers: ClinVar variation 2585785 (VCV002585785.2), dbSNP rs2519663758, ClinGen allele CA413500028.

ClinVar aggregate classification (germline): Uncertain significance (1 of 4 stars; one submission).

Conditions:
Familial thoracic aortic aneurysm and aortic dissection (TAAD). Also called: Thoracic aortic aneurysms and dissections. Identifiers: Orphanet 91387, MedGen C4707243, MONDO:0019625.

Submission:

Ambry Genetics
Classification: Uncertain significance for Familial thoracic aortic aneurysm and aortic dissection. Last evaluated: 2023-07-05. Review status: criteria provided, single submitter. Criteria: Ambry Variant Classification Scheme 2023. Collection method: clinical testing. Allele origin: germline.
Comment: The p.L159F variant (also known as c.475C>T), located in coding exon 4 of the MED12 gene, results from a C to T substitution at nucleotide position 475. The leucine at codon 159 is replaced by phenylalanine, an amino acid with highly similar properties. This amino acid position is conserved. In addition, this alteration is predicted to be tolerated by in silico analysis. Since supporting evidence is limited at this time, the clinical significance of this alteration remains unclear.